The following is an entry in ClinVar:

ClinVar aggregate classification (germline): Uncertain significance. Review status: criteria provided, multiple submitters, no conflicts (2 of 4 stars). 16 submissions from 16 submitters: Uncertain significance (15). 1 of the submissions does not count toward it. Last evaluated 2026-03-09.

Conditions:
MUTYH-related disorder. Also called: MUTYH-related condition; MUTYH-related disorders.
Hereditary cancer-predisposing syndrome. Also called: Tumor predisposition; Hereditary neoplastic syndrome; Hereditary Cancer Syndrome; Neoplastic Syndromes, Hereditary. Identifiers: Orphanet 140162, MedGen C0027672, MeSH D009386, MONDO:0015356.
Familial adenomatous polyposis 2. Also called: MUTYH-related attenuated familial adenomatous polyposis; MUTYH-associated polyposis; MUTYH Polyposis; Adenomas, multiple colorectal; ADENOMAS, MULTIPLE COLORECTAL, AUTOSOMAL RECESSIVE; COLORECTAL ADENOMATOUS POLYPOSIS, AUTOSOMAL RECESSIVE. Identifiers: Orphanet 220460, Orphanet 247798, MedGen C3272841, MONDO:0012041, OMIM 608456.

Allele frequency attached by ClinVar (database versions not stated): ExAC 0.00002; gnomAD exomes 0.00004; gnomAD 0.00006; TOPMed 0.00009.

Submissions 1 to 7 of 16:

PreventionGenetics, part of Exact Sciences
Classification: Uncertain significance for MUTYH-related condition. Last evaluated: 2026-03-09. Review status: criteria provided, single submitter. Criteria: ACMG Guidelines, 2015. Collection method: clinical testing. Allele origin: germline.
Comment: The MUTYH c.1465G>A variant is predicted to result in the amino acid substitution p.Ala489Thr. This variant has been reported in individuals with colorectal polyposis (referred to as A475T in Kairupan et al. 2005. PubMed ID: 15761860 and Jo et al. 2005. PubMed ID: 16234049; Table 2, Morak et al. 2010. PubMed ID: 20618354). This variant is reported in 0.012% of alleles in individuals of African descent in gnomAD and has been interpreted as variant of uncertain significance in the ClinVar database (Variation ID: 142138). Functional studies suggest this variant partially disrupts MUTYH protein function (Komine et al. 2015. PubMed ID: 25820570). At this time, the clinical significance of this variant is uncertain due to the absence of conclusive functional and genetic evidence.

Labcorp Genetics (formerly Invitae), Labcorp
Classification: Uncertain significance for Familial adenomatous polyposis 2. Last evaluated: 2025-12-18. Review status: criteria provided, single submitter. Criteria: Invitae Variant Classification Sherloc (09022015). Collection method: clinical testing. Allele origin: germline.
Comment: This sequence change replaces alanine, which is neutral and non-polar, with threonine, which is neutral and polar, at codon 489 of the MUTYH protein (p.Ala489Thr). This variant is present in population databases (rs587782263, gnomAD 0.01%). This missense change has been observed in individual(s) with colorectal polyposis (PMID: 16234049; externalcommunication, internal data). In at least one individual the data is consistent with being in trans (on the opposite chromosome) from a pathogenic variant. It has also been observed to segregate with disease in related individuals. This variant is also known as G1423A (A475T). ClinVar contains an entry for this variant (Variation ID: 142138). An algorithm developed to predict the effect of missense changes on protein structure and function (PolyPhen-2) suggests that this variant is likely to be disruptive. Experimental studies have shown that this missense change affects MUTYH function (PMID: 25820570). In summary, the available evidence is currently insufficient to determine the role of this variant in disease. Therefore, it has been classified as a Variant of Uncertain Significance.

Women's Health and Genetics/Laboratory Corporation of America, LabCorp
Classification: Uncertain significance. Last evaluated: 2025-10-06. Review status: criteria provided, single submitter. Criteria: LabCorp Variant Classification Summary - May 2015. Collection method: clinical testing. Allele origin: germline.
Comment: Variant summary: MUTYH c.1465G>A (p.Ala489Thr) results in a non-conservative amino acid change located in the MutY, C-terminal domain of the encoded protein sequence. Algorithms developed to predict the effect of missense changes on protein structure and function all suggest that this variant is likely to be disruptive. The variant allele was found at a frequency of 3.6e-05 in 251694 control chromosomes. c.1465G>A has been observed in individuals affected with MUTYH-Associated Polyposis (e.g. Kairupan_2005, Jo_2005, Morak_2010). However, in at least two unrelated individuals it co-occurred with two additional pathogenic variants (MUTYH c.933+3A>C and c.1187G>A, p.G396D (internal data); MUTYH c.933+3A>C and c.536A>G, p.Tyr179Cys (Kairupan_2005)). These data do not allow any conclusion about variant significance. At least one publication reports experimental evidence evaluating an impact on protein function. The most pronounced variant effect results in 32% of normal base excision repair (BER) glycosylase activity (Komine_2015). The following publications have been ascertained in the context of this evaluation (PMID: 16234049, 15761860, 25820570, 20618354, 35668106). ClinVar contains an entry for this variant (Variation ID: 142138). Based on the evidence outlined above, the variant was classified as uncertain significance.

CeGaT Center for Human Genetics Tuebingen
Classification: Uncertain significance. Last evaluated: 2025-10-01. Review status: criteria provided, single submitter. Criteria: CeGaT Center For Human Genetics Tuebingen Variant Classification Criteria Version 2. Collection method: clinical testing. Allele origin: germline. Affected: yes. Observed: 1 variant allele.

Color Diagnostics, LLC DBA Color Health
Classification: Uncertain significance for Hereditary cancer-predisposing syndrome. Last evaluated: 2025-06-20. Review status: criteria provided, single submitter. Criteria: ACMG Guidelines, 2015. Collection method: clinical testing. Allele origin: germline.
Comment: This missense variant replaces alanine with threonine at codon 489 of the MUTYH protein. Computational prediction suggests that this variant may have deleterious impact on protein structure and function. A functional study has shown the mutant protein to be partially defective for base excision repair activity (PMID: 25820570). This variant has been reported in individuals affected with polyposis (PMID: 15761860, 16234049, 20618354, 25820570) or colorectal cancer (PMID: 35668106). However, it often co-occurs with another pathogenic variant MUTYH c.933+3A>C, suggesting it may be a linked polymorphism (Color internal data). This variant has been identified in 11/282784 chromosomes in the general population by the Genome Aggregation Database (gnomAD). The available evidence is insufficient to determine the role of this variant in disease conclusively. Therefore, this variant is classified as a Variant of Uncertain Significance.

Ambry Genetics
Classification: Uncertain significance for Hereditary cancer-predisposing syndrome. Last evaluated: 2025-04-28. Review status: criteria provided, single submitter. Criteria: Ambry Variant Classification Scheme 2023. Collection method: clinical testing. Allele origin: germline.
Comment: The p.A489T variant (also known as c.1465G>A), located in coding exon 14 of the MUTYH gene, results from a G to A substitution at nucleotide position 1465. The alanine at codon 489 is replaced by threonine, an amino acid with similar properties. The MUTYH c.933+3A>C and p.A489T variants have co-occurred multiple times with other known MUTYH pathogenic mutations in unrelated individuals who are affected with polyposis, however the phase has not been determined (Kairupan CF et al. Int. J. Cancer. 2005 Aug;116(1):73-7; Ambry internal data). The p.A489T variant has also been reported as a monoallelic variant in an individual with an attenuated familial adenomatous polyposis phenotype (Morak M et al. Clin. Genet. 2010 Oct;78:353-63). An assay measuring base-excisional repair function found this alteration to result in partially defective protein function (Komine K et al. Hum. Mutat. 2015 Jul;36(7):704-11). Of note, this alteration is also designated as p.A475T (c.1423G>A) in published literature. This amino acid position is well conserved in available vertebrate species. In addition, this alteration is predicted to be deleterious by in silico analysis. Based on the available evidence, the clinical significance of this variant remains unclear.

Quest Diagnostics Nichols Institute San Juan Capistrano
Classification: Uncertain significance. Last evaluated: 2025-03-27. Review status: criteria provided, single submitter. Criteria: Quest Diagnostics criteria. Collection method: clinical testing. Allele origin: unknown.
Comment: The MUTYH c.1465G>A (p.Ala489Thr) variant has been reported in the published literature in individuals with colorectal cancer (PMID: 35668106 (2022), 20618354 (2010)), and polyposis (PMID: 16234049 (2005), 15761860 (2005)). In a large scale breast cancer association study, this variant has been observed in breast cancer cases and reportedly unaffected individuals (PMID: 33471991 (2021), see also LOVD). Assessment of experimental evidence regarding the effect of this variant on protein function is inconclusive (PMID: 25820570 (2010)). The frequency of this variant in the general population (Genome Aggregation Database) is uninformative in the assessment of its pathogenicity. Analysis of this variant using bioinformatics tools for the prediction of the effect of amino acid changes on protein structure and function yielded conflicting predictions that this variant is benign or damaging. Based on the available information, we are unable to determine the clinical significance of this variant.

NM_001048174.2(MUTYH):c.1381G>A (p.Ala461Thr)

Gene: MUTYH (mutY DNA glycosylase; minus strand). Cytogenetic location: 1p34.1.
Variant type: single nucleotide variant.
Coding change: c.1381G>A on transcript NM_001048174.2 (MANE Select); coding-DNA position 1381, G replaced by A.
Protein change: p.Ala461Thr; replaces alanine 461 with threonine.
Molecular consequence: missense variant. On other transcripts: non-coding transcript variant (2).
Genome position (GRCh38, 1-based): chr1:45,331,193, C>T on the plus strand (G>A on the coding strand, the complement: MUTYH is on the minus strand). VCF-style: chr1-45331193-C-T. GRCh37 (hg19) VCF-style: chr1-45796865-C-T.
Other names: c.1381G>A, p.Ala461Thr (NM_001048171.2, NM_001048173.2, NM_001293195.2); c.1384G>A, p.Ala462Thr (NM_001048172.2); c.1465G>A, p.Ala489Thr (NM_001128425.2); c.1426G>A, p.Ala476Thr (NM_001293190.2); c.1414G>A, p.Ala472Thr (NM_001293191.2); c.1105G>A, p.Ala369Thr (NM_001293192.2, NM_001293196.2); c.1036G>A, p.Ala346Thr (NM_001350650.2, NM_001350651.2); c.1456G>A, p.Ala486Thr (NM_012222.3); short protein forms A489T, A475T, A346T, A461T, A462T, A476T, A486T, A369T.
Identifiers: ClinVar variation 142138 (VCV000142138.57), dbSNP rs587782263, ClinGen allele CA012873.